The following is an entry in ClinVar:

NM_024334.3(TMEM43):c.35G>A (p.Arg12Lys)

Gene: TMEM43 (transmembrane protein 43; plus strand). Cytogenetic location: 3p25.1.
Variant type: single nucleotide variant.
Coding change: c.35G>A on transcript NM_024334.3 (MANE Select); coding-DNA position 35, G replaced by A.
Protein change: p.Arg12Lys; replaces arginine 12 with lysine.
Molecular consequence: missense variant.
Genome position (GRCh38, 1-based): chr3:14,129,434, G>A. VCF-style: chr3-14129434-G-A. GRCh37 (hg19) VCF-style: chr3-14170934-G-A.
Other names: short protein forms R12K.
Identifiers: ClinVar variation 629360 (VCV000629360.5), dbSNP rs1559359985, ClinGen allele CA351534197.

ClinVar aggregate classification (germline): Conflicting classifications of pathogenicity. Review status: criteria provided, conflicting classifications (1 of 4 stars). 2 submissions from 2 submitters: Uncertain significance (1); Likely benign (1). Last evaluated 2024-09-06.

Conditions:
Arrhythmogenic right ventricular dysplasia 5. Also called: ARRHYTHMOGENIC RIGHT VENTRICULAR DYSPLASIA, FAMILIAL, 5; Arrhythmogenic Right Ventricular Dysplasia/Cardiomyopathy 5. Identifiers: MedGen C1858379, MONDO:0011459, OMIM 604400.
Cardiomyopathy (CMYO). Also called: Cardiomyopathies. Identifiers: Orphanet 167848, MedGen C0878544, MONDO:0004994, HP:0001638. Inheritance: Various modes of inheritance.

gnomAD v4.1: 2 of 1,613,442 alleles (0.00012%); no homozygotes.

Submissions (2):

Color Diagnostics, LLC DBA Color Health
Classification: Likely benign for Cardiomyopathy. Last evaluated: 2024-09-06. Review status: criteria provided, single submitter. Criteria: ACMG Guidelines, 2015. Collection method: clinical testing. Allele origin: germline.

Labcorp Genetics (formerly Invitae), Labcorp
Classification: Uncertain significance for Arrhythmogenic right ventricular dysplasia 5. Last evaluated: 2024-03-11. Review status: criteria provided, single submitter. Criteria: Invitae Variant Classification Sherloc (09022015). Collection method: clinical testing. Allele origin: germline.
Comment: This sequence change replaces arginine, which is basic and polar, with lysine, which is basic and polar, at codon 12 of the TMEM43 protein (p.Arg12Lys). This variant is not present in population databases (gnomAD no frequency). This variant has not been reported in the literature in individuals affected with TMEM43-related conditions. ClinVar contains an entry for this variant (Variation ID: 629360). Algorithms developed to predict the effect of missense changes on protein structure and function output the following: SIFT: "Not Available"; PolyPhen-2: "Benign"; Align-GVGD: "Not Available". The lysine amino acid residue is found in multiple mammalian species, which suggests that this missense change does not adversely affect protein function. In summary, the available evidence is currently insufficient to determine the role of this variant in disease. Therefore, it has been classified as a Variant of Uncertain Significance.